The following is an entry in ClinVar:

ClinVar aggregate classification (germline): Likely pathogenic. Review status: criteria provided, single submitter (1 of 4 stars). 3 submissions from 2 submitters: Likely pathogenic (2). 1 of the submissions does not count toward it.

Conditions:
Bilateral frontoparietal polymicrogyria. Also called: CEREBELLAR ATAXIA WITH NEURONAL MIGRATION DEFECT; CORTICAL DYSPLASIA, COMPLEX, WITH OTHER BRAIN MALFORMATIONS 14A (BILATERAL FRONTOPARIETAL). Identifiers: Orphanet 101070, MedGen C1847352, MONDO:0011738, OMIM 606854.
Polymicrogyria, bilateral perisylvian, autosomal recessive (CDCBM14B). Also called: CORTICAL DYSPLASIA, COMPLEX, WITH OTHER BRAIN MALFORMATIONS 14B (BILATERAL PERISYLVIAN). Identifiers: MedGen C3810405, MONDO:0014333, OMIM 615752.

Submissions (3):

Neuberg Centre For Genomic Medicine, NCGM
Classification: Likely pathogenic for Bilateral frontoparietal polymicrogyria. Review status: criteria provided, single submitter. Criteria: ACMG Guidelines, 2015. Collection method: clinical testing. Allele origin: germline. Affected: yes.
Comment: The frameshift duplication p.Q338Tfs*14 in ADGRG1 (NM_005682.7) has not been reported previously as a pathogenic variant nor as a benign variant, to our knowledge. The p.Q338Tfs*14 variant is novel (not in any individuals) in gnomAD Exomes and is novel (not in any individuals) in 1000 Genomes. This variant is predicted to cause loss of normal protein function through protein truncation. Loss of function variants have been previously reported to be disease causing. For these reasons, this variant has been classified as Likely Pathogenic.

Neuberg Centre For Genomic Medicine, NCGM
Classification: Likely pathogenic for Polymicrogyria, bilateral perisylvian, autosomal recessive. Review status: criteria provided, single submitter. Criteria: ACMG Guidelines, 2015. Collection method: clinical testing. Allele origin: germline. Inheritance: Autosomal recessive inheritance. Affected: yes.
Comment: The c.1010dup (p.Gln338ThrfsTer14) frameshift variant in ADGRG1 gene has not been reported previously as a pathogenic variant nor as a benign variant, to our knowledge. The p.Gln338ThrfsTer14 variant is novel (not in any individuals) in gnomAD Exomes and is novel (not in any individuals) in 1000 Genomes. This variant causes a frameshift starting with codon Glutamine 338, changes this amino acid to Threonine residue, and creates a premature Stop codon at position 14 of the new reading frame, denoted p.Gln338ThrfsTer14. This variant is predicted to cause loss of normal protein function through protein truncation. Loss of function variants have been previously reported to be disease causing. For these reasons, this variant has been classified as Likely Pathogenic.

OMIM
Classification: Pathogenic for CORTICAL DYSPLASIA, COMPLEX, WITH OTHER BRAIN MALFORMATIONS 14A (BILATERAL FRONTOPARIETAL). Last evaluated: 2024-06-06. Review status: no assertion criteria provided. Collection method: literature only. Allele origin: germline. Not counted in ClinVar's aggregate classification.

Literature cited by the submitters: PubMed 35186395 (cited by OMIM).

NM_201525.4(ADGRG1):c.1010dup (p.Gln338fs)

Gene: ADGRG1 (adhesion G protein-coupled receptor G1; plus strand). Cytogenetic location: 16q21.
Variant type: Duplication.
Coding change: c.1010dup on transcript NM_201525.4 (MANE Select); coding-DNA position 1010, one base duplicated (T; older notation c.1010dupT).
Protein change: p.Gln338fs; shifts the reading frame from glutamine 338.
Molecular consequence: frameshift variant.
Genome position (GRCh38, 1-based): chr16:57,655,985, T duplicated. VCF-style (leftmost placement, unchanged base first): chr16-57655984-C-CT. GRCh37 (hg19) VCF-style: chr16-57689896-C-CT.
Other names: c.1010dup, p.Gln338fs (NM_001145770.3, NM_001145771.3, NM_001145772.3 and 16 more transcripts); c.1025dup, p.Gln343fs (NM_001145773.3, NM_001370433.1); c.500dup, p.Gln168fs (NM_001290142.2); c.485dup, p.Gln163fs (NM_001290143.2, NM_001290144.2, NM_001370451.1 and 2 more transcripts); c.854dup, p.Gln286fs (NM_001370442.1); short protein forms Q163fs, Q168fs, Q286fs, Q338fs, Q343fs.
Identifiers: ClinVar variation 1878521 (VCV001878521.3), dbSNP rs2545340801, ClinGen allele CA2580091730.